The following is an entry in ClinVar:

NM_003839.4(TNFRSF11A):c.1733G>A (p.Arg578Gln)

Gene: TNFRSF11A (TNF receptor superfamily member 11a; plus strand). Cytogenetic location: 18q21.33.
Variant type: single nucleotide variant.
Coding change: c.1733G>A on transcript NM_003839.4 (MANE Select); coding-DNA position 1733, G replaced by A.
Protein change: p.Arg578Gln; replaces arginine 578 with glutamine.
Molecular consequence: missense variant. On other transcripts: 3 prime UTR variant (1).
Genome position (GRCh38, 1-based): chr18:62,384,916, G>A. VCF-style: chr18-62384916-G-A. GRCh37 (hg19) VCF-style: chr18-60052149-G-A.
Other names: c.*157G>A (NM_001270949.2); c.896G>A, p.Arg299Gln (NM_001270950.2); c.782G>A, p.Arg261Gln (NM_001270951.2); c.1691G>A, p.Arg564Gln (NM_001278268.2); short protein forms R564Q, R578Q, R299Q, R261Q.
Identifiers: ClinVar variation 2058583 (VCV002058583.5), dbSNP rs757983626, ClinGen allele CA8984045.

ClinVar aggregate classification (germline): Uncertain significance. Review status: criteria provided, multiple submitters, no conflicts (2 of 4 stars). 2 submissions from 2 submitters: Uncertain significance (2). Last evaluated 2026-01-22.

Conditions:
Inborn genetic diseases. Identifiers: MedGen C0950123, MeSH D030342.

Allele frequency attached by ClinVar (database versions not stated): gnomAD 0.00001; ExAC 0.00004; TOPMed 0.00006.
gnomAD v4.1: 18 of 1,563,340 alleles (0.0012%); highest among the groups gnomAD compares: Admixed American, 0.034%; no homozygotes.

Submissions (2):

Labcorp Genetics (formerly Invitae), Labcorp
Classification: Uncertain significance. Last evaluated: 2026-01-22. Review status: criteria provided, single submitter. Criteria: Invitae Variant Classification Sherloc (09022015). Collection method: clinical testing. Allele origin: germline.
Comment: This sequence change replaces arginine, which is basic and polar, with glutamine, which is neutral and polar, at codon 578 of the TNFRSF11A protein (p.Arg578Gln). This variant is present in population databases (rs757983626, gnomAD 0.05%). This variant has not been reported in the literature in individuals affected with TNFRSF11A-related conditions. ClinVar contains an entry for this variant (Variation ID: 2058583). An algorithm developed to predict the effect of missense changes on protein structure and function (PolyPhen-2) suggests that this variant is likely to be disruptive. In summary, the available evidence is currently insufficient to determine the role of this variant in disease. Therefore, it has been classified as a Variant of Uncertain Significance.

Ambry Genetics
Classification: Uncertain significance for Inborn genetic diseases. Last evaluated: 2025-08-14. Review status: criteria provided, single submitter. Criteria: Ambry Variant Classification Scheme 2023. Collection method: clinical testing. Allele origin: germline.